The following is an entry in ClinVar:

NM_002693.3(POLG):c.1795A>C (p.Thr599Pro)

Gene: POLG (DNA polymerase gamma, catalytic subunit; minus strand). Cytogenetic location: 15q26.1.
Variant type: single nucleotide variant.
Coding change: c.1795A>C on transcript NM_002693.3 (MANE Select); coding-DNA position 1795, A replaced by C.
Protein change: p.Thr599Pro; replaces threonine 599 with proline.
Molecular consequence: missense variant.
Genome position (GRCh38, 1-based): chr15:89,325,604, T>G on the plus strand (A>C on the coding strand, the complement: POLG is on the minus strand). VCF-style: chr15-89325604-T-G. GRCh37 (hg19) VCF-style: chr15-89868835-T-G.
Other names: c.1795A>C, p.Thr599Pro (NM_001126131.2); short protein forms T599P.
Identifiers: ClinVar variation 423488 (VCV000423488.14), dbSNP rs1064796458, ClinGen allele CA16620023.

ClinVar aggregate classification (germline): Uncertain significance. Review status: criteria provided, multiple submitters, no conflicts (2 of 4 stars). 5 submissions from 5 submitters: Uncertain significance (5). Last evaluated 2026-02-23.

Conditions:
POLG-related disorder. Also called: POLG-related condition; POLG-Related Disorders; POLG-Related Spectrum Disorders. Identifiers: MedGen C4763519.
Progressive sclerosing poliodystrophy (MTDPS4A). Also called: Mitochondrial DNA depletion syndrome 4A (Alpers type); ALPERS PROGRESSIVE INFANTILE POLIODYSTROPHY; Alpers-Huttenlocher Syndrome; Alpers-Huttenlocher Syndrome (AHS); ALPERS DIFFUSE DEGENERATION OF CEREBRAL GRAY MATTER WITH HEPATIC CIRRHOSIS; NEURONAL DEGENERATION OF CHILDHOOD WITH LIVER DISEASE, PROGRESSIVE. Identifiers: Orphanet 726, MedGen C0205710, MONDO:0008758, OMIM 203700.

Allele frequency attached by ClinVar (database versions not stated): gnomAD 0.00001; TOPMed 0.00001.
gnomAD v4.1: 1 of 1,613,686 alleles (0.000062%); highest among the groups gnomAD compares: Admixed American, 0.0017%; no homozygotes.

Submissions (5):

Myriad Genetics, Inc.
Classification: Uncertain significance for POLG-related disorder. Last evaluated: 2026-02-23. Review status: criteria provided, single submitter. Criteria: Myriad Autosomal Dominant, Autosomal Recessive and X-Linked Classification Criteria (2023). Collection method: clinical testing. Allele origin: unknown.
Comment: NM_002693.2(POLG):c.1795A>C(T599P) is a missense variant classified as a variant of uncertain significance in the context of POLG-related disorders. T599P has been observed in a case with relevant disease (PMID: 29644085). Relevant functional assessments of this variant are not available in the literature. T599P has not been observed in referenced population frequency databases. In summary, there is insufficient evidence to classify NM_002693.2(POLG):c.1795A>C(T599P) as pathogenic or benign. Please note: this variant was assessed in the context of healthy population screening.

Revvity Omics, Revvity
Classification: Uncertain significance. Last evaluated: 2025-01-22. Review status: criteria provided, single submitter. Criteria: ACMG Guidelines, 2015. Collection method: clinical testing. Allele origin: germline.

Labcorp Genetics (formerly Invitae), Labcorp
Classification: Uncertain significance for Progressive sclerosing poliodystrophy. Last evaluated: 2024-04-15. Review status: criteria provided, single submitter. Criteria: Invitae Variant Classification Sherloc (09022015). Collection method: clinical testing. Allele origin: germline.
Comment: This sequence change replaces threonine, which is neutral and polar, with proline, which is neutral and non-polar, at codon 599 of the POLG protein (p.Thr599Pro). This variant is not present in population databases (gnomAD no frequency). This missense change has been observed in individual(s) with sensory ataxic neuropathy with dysarthria and ophthalmoparesis (SANDO) (PMID: 29644085). ClinVar contains an entry for this variant (Variation ID: 423488). Advanced modeling of protein sequence and biophysical properties (such as structural, functional, and spatial information, amino acid conservation, physicochemical variation, residue mobility, and thermodynamic stability) performed at Invitae indicates that this missense variant is expected to disrupt POLG protein function with a positive predictive value of 95%. This variant disrupts the p.Thr599 amino acid residue in POLG. Other variant(s) that disrupt this residue have been observed in individuals with POLG-related conditions (PMID: 34189666), which suggests that this may be a clinically significant amino acid residue. In summary, the available evidence is currently insufficient to determine the role of this variant in disease. Therefore, it has been classified as a Variant of Uncertain Significance.

Blueprint Genetics
Classification: Uncertain significance. Last evaluated: 2024-04-03. Review status: criteria provided, single submitter. Criteria: ACMG Guidelines, 2015. Collection method: clinical testing. Allele origin: germline.

GeneDx
Classification: Uncertain significance. Last evaluated: 2017-02-17. Review status: criteria provided, single submitter. Criteria: GeneDx Variant Classification (06012015). Collection method: clinical testing. Allele origin: germline. Affected: yes.
Comment: The T599P variant in the POLG gene has not been reported previously as a pathogenic variant, nor as a benign variant, to our knowledge. The T599P variant is not observed in large population cohorts (Lek et al., 2016; 1000 Genomes Consortium et al., 2015; Exome Variant Server). The T599P variant is a non-conservative amino acid substitution, which is likely to impact secondary protein structure as these residues differ in polarity, charge, size and/or other properties. This substitution occurs at a position that is conserved across species. In silico analysis predicts this variant is probably damaging to the protein structure/function. We interpret T599P as a variant of uncertain significance.

Literature cited by the submitters: PubMed 29644085 (cited by Myriad Genetics, Inc. and Labcorp Genetics (formerly Invitae), Labcorp); PubMed 34189666 (cited by Labcorp Genetics (formerly Invitae), Labcorp).